The following is an entry in ClinVar:

NC_000005.10:g.112707364C>A

Gene: APC (APC regulator of Wnt signaling pathway; plus strand). Cytogenetic location: 5q22.2.
Variant type: single nucleotide variant.
Genome position: GRCh38 VCF-style: chr5-112707364-C-A. GRCh37 (hg19) VCF-style: chr5-112043061-C-A.
Identifiers: ClinVar variation 1470141 (VCV001470141.6), dbSNP rs2149628192, ClinGen allele CA2573138741.
Genomic context (GRCh38, chr5:112,707,364, plus strand): 5'-TAACTGGGCTGCAGCACAATTCAGAGAAGGCCAGTAAGTGCTGCAACTGAGACTCGGCTG[C>A]CTAGGCAGCAATGGCTCACGGGACAGAACAGCGAAGCAGTGCCCGGCAAGCGGAGCGCAG-3'

ClinVar aggregate classification (germline): Uncertain significance (1 of 4 stars; one submission).

Conditions:
Familial adenomatous polyposis 1 (FAP1). Also called: FAMILIAL ADENOMATOUS POLYPOSIS 1, ATTENUATED; POLYPOSIS, ADENOMATOUS INTESTINAL. Identifiers: MedGen C2713442, MONDO:0021056, OMIM 175100. Disease mechanism: loss of function.

Submission:

Labcorp Genetics (formerly Invitae), Labcorp
Classification: Uncertain significance for Familial adenomatous polyposis 1. Last evaluated: 2021-04-08. Review status: criteria provided, single submitter. Criteria: Invitae Variant Classification Sherloc (09022015). Collection method: clinical testing. Allele origin: germline.
Comment: In summary, the available evidence is currently insufficient to determine the role of this variant in disease. Therefore, it has been classified as a Variant of Uncertain Significance. Experimental studies and prediction algorithms are not available or were not evaluated, and the functional significance of this variant is currently unknown. This variant has not been reported in the literature in individuals with APC-related conditions. The frequency data for this variant in the population databases is considered unreliable, as metrics indicate insufficient coverage at this position in the ExAC database. This variant occurs in a non-coding region of the APC gene. It does not change the encoded amino acid sequence of the APC protein.